The following is an entry in ClinVar:

ClinVar aggregate classification (germline): Uncertain significance. Review status: criteria provided, multiple submitters, no conflicts (2 of 4 stars). 3 submissions from 3 submitters: Uncertain significance (3). Last evaluated 2025-01-09.

Conditions:
Inborn genetic diseases. Identifiers: MedGen C0950123, MeSH D030342.

Allele frequency attached by ClinVar (database versions not stated): gnomAD 0.00001; TOPMed 0.00002.
gnomAD v4.1: 2 of 1,613,656 alleles (0.00012%); highest among the groups gnomAD compares: Admixed American, 0.0017%; no homozygotes.

Submissions (3):

Ambry Genetics
Classification: Uncertain significance for Inborn genetic diseases. Last evaluated: 2025-01-09. Review status: criteria provided, single submitter. Criteria: Ambry Variant Classification Scheme 2023. Collection method: clinical testing. Allele origin: germline.

Labcorp Genetics (formerly Invitae), Labcorp
Classification: Uncertain significance. Last evaluated: 2022-10-05. Review status: criteria provided, single submitter. Criteria: Invitae Variant Classification Sherloc (09022015). Collection method: clinical testing. Allele origin: germline.
Comment: This sequence change replaces tyrosine, which is neutral and polar, with cysteine, which is neutral and slightly polar, at codon 213 of the TMPRSS3 protein (p.Tyr213Cys). This variant is not present in population databases (gnomAD no frequency). This variant has not been reported in the literature in individuals affected with TMPRSS3-related conditions. ClinVar contains an entry for this variant (Variation ID: 497438). Advanced modeling of protein sequence and biophysical properties (such as structural, functional, and spatial information, amino acid conservation, physicochemical variation, residue mobility, and thermodynamic stability) has been performed at Invitae for this missense variant, however the output from this modeling did not meet the statistical confidence thresholds required to predict the impact of this variant on TMPRSS3 protein function. In summary, the available evidence is currently insufficient to determine the role of this variant in disease. Therefore, it has been classified as a Variant of Uncertain Significance.

Eurofins Ntd Llc (ga)
Classification: Uncertain significance. Last evaluated: 2016-11-18. Review status: criteria provided, single submitter. Criteria: EGL Classification Definitions 2015. Collection method: clinical testing. Allele origin: germline. Observed: 1 variant allele, 1 heterozygote.

NM_001256317.3(TMPRSS3):c.638A>G (p.Tyr213Cys)

Gene: TMPRSS3 (transmembrane serine protease 3; minus strand). Cytogenetic location: 21q22.3.
Variant type: single nucleotide variant.
Coding change: c.638A>G on transcript NM_001256317.3 (MANE Select); coding-DNA position 638, A replaced by G.
Protein change: p.Tyr213Cys; replaces tyrosine 213 with cysteine.
Molecular consequence: missense variant.
Genome position (GRCh38, 1-based): chr21:42,383,177, T>C on the plus strand (A>G on the coding strand, the complement: TMPRSS3 is on the minus strand). VCF-style: chr21-42383177-T-C. GRCh37 (hg19) VCF-style: chr21-43803286-T-C.
Other names: c.638A>G, p.Tyr213Cys (NM_024022.4, NM_032405.2); c.257A>G, p.Tyr86Cys (NM_032404.3); c.638A>G (NM_024022.2); short protein forms Y213C, Y86C.
Identifiers: ClinVar variation 497438 (VCV000497438.7), dbSNP rs1555853906, ClinGen allele CA410374034.